The following is an entry in ClinVar:

ClinVar aggregate classification (germline): Benign. Review status: criteria provided, multiple submitters, no conflicts (2 of 4 stars). 2 submissions from 2 submitters: Benign (2). Last evaluated 2023-01-01.

Submissions (2):

CeGaT Center for Human Genetics Tuebingen
Classification: Benign. Last evaluated: 2023-01-01. Review status: criteria provided, single submitter. Criteria: CeGaT Center For Human Genetics Tuebingen Variant Classification Criteria Version 2. Collection method: clinical testing. Allele origin: germline. Affected: yes. Observed: 1 variant allele.
Comment: RBM28: BS1, BS2

Labcorp Genetics (formerly Invitae), Labcorp
Classification: Benign. Last evaluated: 2019-12-31. Review status: criteria provided, single submitter. Criteria: Invitae Variant Classification Sherloc (09022015). Collection method: clinical testing. Allele origin: germline.

NM_018077.3(RBM28):c.726AGA[1] (p.Glu243del)

Gene: RBM28 (RNA binding motif protein 28; minus strand). Cytogenetic location: 7q32.1.
Variant type: Microsatellite.
Coding change: c.726AGA[1] on transcript NM_018077.3 (MANE Select); one copy of the 3-base unit AGA starting at c.726; the reference has two copies in a row; one copy, 3 bases deleted.
Protein change: p.Glu243del; deletes glutamic acid 243.
Molecular consequence: inframe deletion.
Genome position (GRCh38, 1-based): chr7:128,335,925-128,335,927, TCT deleted on the plus strand (AGA on the coding strand, the reverse complement: RBM28 is on the minus strand); deleting any 3 consecutive bases within chr7:128,335,925-128,335,932 gives the same sequence; the position shown is the placement nearest the transcript's 3' end. VCF-style (leftmost placement, unchanged base first): chr7-128335924-ATCT-A. GRCh37 (hg19) VCF-style: chr7-127975978-ATCT-A.
Other names: c.303AGA[1], p.Glu102del (NM_001166135.2); short protein forms E243del, E102del.
Identifiers: ClinVar variation 787321 (VCV000787321.28), dbSNP rs370008356, ClinGen allele CA4470222.